The following is an entry in ClinVar:

NM_001042492.3(NF1):c.2308A>T (p.Thr770Ser)

Gene: NF1 (neurofibromin 1; plus strand). Cytogenetic location: 17q11.2.
Variant type: single nucleotide variant.
Coding change: c.2308A>T on transcript NM_001042492.3 (MANE Select); coding-DNA position 2308, A replaced by T.
Protein change: p.Thr770Ser; replaces threonine 770 with serine.
Molecular consequence: missense variant.
Genome position (GRCh38, 1-based): chr17:31,227,274, A>T. VCF-style: chr17-31227274-A-T. GRCh37 (hg19) VCF-style: chr17-29554292-A-T.
Other names: c.2308A>T, p.Thr770Ser (NM_000267.4); short protein forms T770S.
Identifiers: ClinVar variation 1789381 (VCV001789381.2), dbSNP rs2151426967, ClinGen allele CA398982882.
Genomic context (GRCh38, chr17:31,227,274, plus strand): 5'-TTAGGAAGAGCAGCACTTCAGAAAAGAGTGATGGCACTGCTGAGGCGCATTGAGCATCCC[A>T]CTGCAGGAAACACTGAGGTATGCCCTTAGCAACAGAAACACCCCTCCCAGGCGCCCACCC-3'
Protein context (NP_001035957.1, residues 760-780): MALLRRIEHP[Thr770Ser]AGNTEAWEDT

ClinVar aggregate classification (germline): Uncertain significance (1 of 4 stars; one submission).

Conditions:
Hereditary cancer-predisposing syndrome. Also called: Hereditary Cancer Syndrome; Hereditary neoplastic syndrome; Tumor predisposition; Neoplastic Syndromes, Hereditary. Identifiers: Orphanet 140162, MedGen C0027672, MeSH D009386, MONDO:0015356.
Cardiovascular phenotype. Identifiers: MedGen CN230736.

Submission:

Ambry Genetics
Classification: Uncertain significance for Cardiovascular phenotype; Hereditary cancer-predisposing syndrome. Last evaluated: 2020-01-03. Review status: criteria provided, single submitter. Criteria: Ambry Variant Classification Scheme 2023. Collection method: clinical testing. Allele origin: germline.
Comment: The p.T770S variant (also known as c.2308A>T), located in coding exon 19 of the NF1 gene, results from an A to T substitution at nucleotide position 2308. The threonine at codon 770 is replaced by serine, an amino acid with similar properties. This amino acid position is highly conserved in available vertebrate species. In addition, the in silico prediction for this alteration is inconclusive. Since supporting evidence is limited at this time, the clinical significance of this alteration remains unclear.